The following is an entry in ClinVar:

NM_000038.6(APC):c.136-53T>C

Gene: APC (APC regulator of Wnt signaling pathway; plus strand). Cytogenetic location: 5q22.2.
Variant type: single nucleotide variant.
Coding change: c.136-53T>C on transcript NM_000038.6 (MANE Select); 53 bases into the intron before coding-DNA position 136, T replaced by C.
Molecular consequence: intron variant.
Genome position (GRCh38, 1-based): chr5:112,766,273, T>C. VCF-style: chr5-112766273-T-C. GRCh37 (hg19) VCF-style: chr5-112101970-T-C.
Other names: c.136-53T>C (NM_001354895.2, NM_001127510.3, NM_001354896.2 and 2 more transcripts); c.166-53T>C (NM_001354897.2, NM_001354902.2, NM_001127511.3); c.61-53T>C (NM_001354898.2, NM_001354904.2); c.-900-53T>C (NM_001354906.2); c.-42-53T>C (NM_001354900.2, NM_001354901.2, NM_001354905.2).
Identifiers: ClinVar variation 82873 (VCV000082873.10), dbSNP rs2304793, ClinGen allele CA004812.

ClinVar aggregate classification (germline): Benign. Review status: criteria provided, multiple submitters, no conflicts (2 of 4 stars). 4 submissions from 4 submitters: Benign (2). 2 of the submissions do not count toward it. Last evaluated 2023-07-07.

Conditions:
Familial adenomatous polyposis 1 (FAP1). Also called: POLYPOSIS, ADENOMATOUS INTESTINAL; FAMILIAL ADENOMATOUS POLYPOSIS 1, ATTENUATED. Identifiers: MedGen C2713442, MONDO:0021056, OMIM 175100. Disease mechanism: loss of function.
Familial colorectal cancer. Identifiers: MedGen CN280943, MONDO:0023113. Disease mechanism: loss of function.

Allele frequency attached by ClinVar (database versions not stated): gnomAD exomes 0.03176; ESP Exome Variant Server 0.07058; gnomAD 0.07280 and 0.07347; TOPMed 0.08192; 1000 Genomes Project 30x 0.11118; 1000 Genomes Project 0.11142.
gnomAD v4.1: 47,801 of 1,289,398 alleles (3.7%); highest among the groups gnomAD compares: African/African-American, 19%; 2,123 homozygotes.

Submissions (4):

KCCC/NGS Laboratory, Kuwait Cancer Control Center
Classification: Benign for Familial adenomatous polyposis 1. Last evaluated: 2023-07-07. Review status: criteria provided, single submitter. Criteria: ACMG Guidelines, 2015. Collection method: clinical testing. Allele origin: germline. Affected: yes.

GeneDx
Classification: Benign. Last evaluated: 2015-03-03. Review status: criteria provided, single submitter. Criteria: GeneDx Variant Classification Process June 2021. Collection method: clinical testing. Allele origin: germline. Affected: yes.

Mayo Clinic Laboratories, Mayo Clinic
Classification: Benign. Review status: no assertion criteria provided. Collection method: research. Allele origin: unknown. Observed: 13 variant alleles, 1 homozygote. Not counted in ClinVar's aggregate classification.

Systems Biology Platform Zhejiang California International NanoSystems Institute
Classification: other for Familial colorectal cancer. Review status: no assertion criteria provided. Collection method: not provided. Allele origin: unknown. Not counted in ClinVar's aggregate classification.
ClinVar note: Converted during submission from cancer to other.